The following is an entry in ClinVar:

ClinVar aggregate classification (germline): Uncertain significance (1 of 4 stars; one submission).

gnomAD v4.1: 1 of 1,614,252 alleles (0.000062%); highest among the groups gnomAD compares: Non-Finnish European, 0.000085%; no homozygotes.

Submission:

Labcorp Genetics (formerly Invitae), Labcorp
Classification: Uncertain significance. Last evaluated: 2025-12-19. Review status: criteria provided, single submitter. Criteria: Invitae Variant Classification Sherloc (09022015). Collection method: clinical testing. Allele origin: germline.
Comment: This sequence change replaces leucine, which is neutral and non-polar, with proline, which is neutral and non-polar, at codon 255 of the DFNA5 protein (p.Leu255Pro). This variant is not present in population databases (gnomAD no frequency). This variant has not been reported in the literature in individuals affected with DFNA5-related conditions. An algorithm developed to predict the effect of missense changes on protein structure and function outputs the following: PolyPhen-2: "Benign". The proline amino acid residue is found in multiple mammalian species, which suggests that this missense change does not adversely affect protein function. In summary, the available evidence is currently insufficient to determine the role of this variant in disease. Therefore, it has been classified as a Variant of Uncertain Significance.

NM_001127453.2(GSDME):c.764T>C (p.Leu255Pro)

Gene: GSDME (gasdermin E; minus strand). Cytogenetic location: 7p15.3.
Variant type: single nucleotide variant.
Coding change: c.764T>C on transcript NM_001127453.2 (MANE Select); coding-DNA position 764, T replaced by C.
Protein change: p.Leu255Pro; replaces leucine 255 with proline.
Molecular consequence: missense variant.
Genome position (GRCh38, 1-based): chr7:24,710,322, A>G on the plus strand (T>C on the coding strand, the complement: GSDME is on the minus strand). VCF-style: chr7-24710322-A-G. GRCh37 (hg19) VCF-style: chr7-24749941-A-G.
Other names: c.272T>C, p.Leu91Pro (NM_001127454.2, NM_001438059.1); c.764T>C, p.Leu255Pro (NM_004403.3); short protein forms L91P, L255P.
Identifiers: ClinVar variation 4766694 (VCV004766694.1).